The following is an entry in ClinVar:

ClinVar aggregate classification (germline): Uncertain significance (1 of 4 stars; one submission).

Conditions:
Kleefstra syndrome 1 (KLEFS1). Identifiers: Orphanet 261494, MedGen C0795833, MONDO:0027407, OMIM 610253.

gnomAD v4.1: 1 of 1,613,912 alleles (0.000062%); no homozygotes.

Submission:

Labcorp Genetics (formerly Invitae), Labcorp
Classification: Uncertain significance for Kleefstra syndrome 1. Last evaluated: 2025-06-13. Review status: criteria provided, single submitter. Criteria: Invitae Variant Classification Sherloc (09022015). Collection method: clinical testing. Allele origin: germline.
Comment: This sequence change replaces proline, which is neutral and non-polar, with serine, which is neutral and polar, at codon 698 of the EHMT1 protein (p.Pro698Ser). This variant is present in population databases (no rsID available, gnomAD 0.004%). This variant has not been reported in the literature in individuals affected with EHMT1-related conditions. Invitae Evidence Modeling of protein sequence and biophysical properties (such as structural, functional, and spatial information, amino acid conservation, physicochemical variation, residue mobility, and thermodynamic stability) indicates that this missense variant is not expected to disrupt EHMT1 protein function with a negative predictive value of 80%. In summary, the available evidence is currently insufficient to determine the role of this variant in disease. Therefore, it has been classified as a Variant of Uncertain Significance.

NM_024757.5(EHMT1):c.2092C>T (p.Pro698Ser)

Gene: EHMT1 (euchromatic histone lysine methyltransferase 1; plus strand). Cytogenetic location: 9q34.3.
Variant type: single nucleotide variant.
Coding change: c.2092C>T on transcript NM_024757.5 (MANE Select); coding-DNA position 2092, C replaced by T.
Protein change: p.Pro698Ser; replaces proline 698 with serine.
Molecular consequence: missense variant.
Genome position (GRCh38, 1-based): chr9:137,777,955, C>T. VCF-style: chr9-137777955-C-T. GRCh37 (hg19) VCF-style: chr9-140672407-C-T.
Other names: c.2092C>T, p.Pro698Ser (NM_001145527.2); c.1999C>T, p.Pro667Ser (NM_001354259.2); c.2071C>T, p.Pro691Ser (NM_001354263.2); short protein forms P691S, P667S, P698S.
Identifiers: ClinVar variation 4740170 (VCV004740170.1).